The following is an entry in ClinVar:

ClinVar aggregate classification (germline): Uncertain significance (1 of 4 stars; one submission).

Submission:

GeneDx
Classification: Uncertain significance. Last evaluated: 2023-07-20. Review status: criteria provided, single submitter. Criteria: GeneDx Variant Classification Process June 2021. Collection method: clinical testing. Allele origin: germline. Affected: yes.
Comment: Has not been previously published as pathogenic or benign to our knowledge; Not observed at significant frequency in large population cohorts (gnomAD); In silico analysis supports that this missense variant has a deleterious effect on protein structure/function

NM_022168.4(IFIH1):c.3019C>A (p.Pro1007Thr)

Gene: IFIH1 (interferon induced with helicase C domain 1; minus strand). Cytogenetic location: 2q24.2.
Variant type: single nucleotide variant.
Coding change: c.3019C>A on transcript NM_022168.4 (MANE Select); coding-DNA position 3019, C replaced by A.
Protein change: p.Pro1007Thr; replaces proline 1007 with threonine.
Molecular consequence: missense variant.
Genome position (GRCh38, 1-based): chr2:162,267,259, G>T on the plus strand (C>A on the coding strand, the complement: IFIH1 is on the minus strand). VCF-style: chr2-162267259-G-T. GRCh37 (hg19) VCF-style: chr2-163123769-G-T.
Other names: short protein forms P1007T.
Identifiers: ClinVar variation 3361264 (VCV003361264.1).